The following is an entry in ClinVar:

NM_001267550.2(TTN):c.67882G>A (p.Val22628Ile)

Genes: TTN (titin; minus strand), TTN-AS1 (TTN antisense RNA 1; plus strand), LOC126806423 (CDK7 strongly-dependent group 2 enhancer GRCh37_chr2:179443309-179444508; plus strand). Cytogenetic location: 2q31.2.
Variant type: single nucleotide variant.
Coding change: c.67882G>A on transcript NM_001267550.2 (MANE Select); coding-DNA position 67882, G replaced by A.
Protein change: p.Val22628Ile; replaces valine 22628 with isoleucine.
Molecular consequence: missense variant.
Genome position (GRCh38, 1-based): chr2:178,579,148, C>T on the plus strand (G>A on the coding strand, the complement: TTN is on the minus strand). VCF-style: chr2-178579148-C-T. GRCh37 (hg19) VCF-style: chr2-179443875-C-T.
Other names: c.62959G>A, p.Val20987Ile (NM_001256850.1); c.40687G>A, p.Val13563Ile (NM_003319.4); c.60178G>A, p.Val20060Ile (NM_133378.4); c.41062G>A, p.Val13688Ile (NM_133432.3); c.41263G>A, p.Val13755Ile (NM_133437.4); short protein forms V22628I, V13755I, V20060I, V13563I, V13688I, V20987I.
Identifiers: ClinVar variation 467404 (VCV000467404.6), dbSNP rs775731759, ClinGen allele CA1991219.

ClinVar aggregate classification (germline): Uncertain significance. Review status: criteria provided, multiple submitters, no conflicts (2 of 4 stars). 3 submissions from 3 submitters: Uncertain significance (3). Last evaluated 2021-12-07.

Conditions:
Cardiovascular phenotype. Identifiers: MedGen CN230736.
Autosomal recessive limb-girdle muscular dystrophy type 2J (LGMDR10). Also called: Limb-girdle muscular dystrophy, type 2J; MUSCULAR DYSTROPHY, LIMB-GIRDLE, AUTOSOMAL RECESSIVE 10. Identifiers: Orphanet 140922, MedGen C1837342, MONDO:0012127, OMIM 608807.
Dilated cardiomyopathy 1G (CMD1G). Identifiers: Orphanet 154, MedGen C1858763, MONDO:0011400, OMIM 604145.
Myopathy, myofibrillar, 9, with early respiratory failure (MFM9). Also called: EDSTROM MYOPATHY; MYOPATHY, PROXIMAL, WITH EARLY RESPIRATORY MUSCLE INVOLVEMENT; Hereditary myopathy with early respiratory failure; Myopathy, distal, with early respiratory failure, autosomal dominant. Identifiers: Orphanet 178464, Orphanet 34521, MedGen C1863599, MONDO:0011362, OMIM 603689.
Hypertrophic cardiomyopathy 9. Also called: Familial hypertrophic cardiomyopathy 9. Identifiers: MedGen C1861065, MONDO:0013412, OMIM 613765.
Early-onset myopathy with fatal cardiomyopathy (CMYO5). Also called: Salih Myopathy; CONGENITAL MYOPATHY 5 WITH CARDIOMYOPATHY. Identifiers: Orphanet 289377, MedGen C2673677, MONDO:0012714, OMIM 611705. Disease mechanism: loss of function.
Tibial muscular dystrophy (TMD). Also called: UDD MYOPATHY; Tibial muscular dystrophy, tardive; Udd Distal Myopathy – Tibial Muscular Dystrophy. Identifiers: Orphanet 609, MedGen C1838244, MONDO:0010870, OMIM 600334.

Allele frequency attached by ClinVar (database versions not stated): gnomAD exomes below 0.00001; ExAC 0.00001; gnomAD 0.00003 and 0.00004; TOPMed 0.00003.
gnomAD v4.1: 6 of 1,613,334 alleles (0.00037%); highest among the groups gnomAD compares: African/African-American, 0.008%; no homozygotes.

Submissions (3):

Fulgent Genetics
Classification: Uncertain significance for Tibial muscular dystrophy; Myopathy, myofibrillar, 9, with early respiratory failure; Dilated cardiomyopathy 1G; Autosomal recessive limb-girdle muscular dystrophy type 2J; Early-onset myopathy with fatal cardiomyopathy; Hypertrophic cardiomyopathy 9. Last evaluated: 2021-12-07. Review status: criteria provided, single submitter. Criteria: ACMG Guidelines, 2015. Collection method: clinical testing. Allele origin: unknown.

Ambry Genetics
Classification: Uncertain significance for Cardiovascular phenotype. Last evaluated: 2019-11-21. Review status: criteria provided, single submitter. Criteria: Ambry Variant Classification Scheme 2023. Collection method: clinical testing. Allele origin: germline.
Comment: The p.V13563I variant (also known as c.40687G>A), located in coding exon 147 of the TTN gene, results from a G to A substitution at nucleotide position 40687. The valine at codon 13563 is replaced by isoleucine, an amino acid with highly similar properties. This amino acid position is not well conserved in available vertebrate species. In addition, this alteration is predicted to be tolerated by in silico analysis. Since supporting evidence is limited at this time, the clinical significance of this alteration remains unclear.

Labcorp Genetics (formerly Invitae), Labcorp
Classification: Uncertain significance for Dilated cardiomyopathy 1G; Autosomal recessive limb-girdle muscular dystrophy type 2J. Last evaluated: 2017-04-12. Review status: criteria provided, single submitter. Criteria: Invitae Variant Classification Sherloc (09022015). Collection method: clinical testing. Allele origin: germline.